The following is an entry in ClinVar:

ClinVar aggregate classification (germline): Uncertain significance. Review status: criteria provided, multiple submitters, no conflicts (2 of 4 stars). 2 submissions from 2 submitters: Uncertain significance (2). Last evaluated 2025-12-30.

Conditions:
Charcot-Marie-Tooth disease axonal type 2T. Identifiers: Orphanet 443950, MedGen C4015635, OMIM 617017, MONDO:0014866.

Allele frequency attached by ClinVar (database versions not stated): gnomAD 0.00010; 1000 Genomes Project 0.00040; TOPMed 0.00005; ESP Exome Variant Server 0.00015; gnomAD exomes 0.00007; ExAC 0.00014; 1000 Genomes Project 30x 0.00047.
gnomAD v4.1: 113 of 1,612,800 alleles (0.007%); highest among the groups gnomAD compares: South Asian, 0.1%; 3 homozygotes.

Submissions (2):

GeneDx
Classification: Uncertain significance. Last evaluated: 2025-12-30. Review status: criteria provided, single submitter. Criteria: GeneDx Variant Classification Process June 2021. Collection method: clinical testing. Allele origin: germline.
Comment: Reported previously in the compound heterozygous state in a patient with leg atrophy, difficulty walking and absent reflexes and reported to be consistent with a diagnosis of CMT2 (PMID: 30415211); In silico analysis supports that this missense variant has a deleterious effect on protein structure/function; This variant is associated with the following publications: (PMID: 34480178, 30415211, 38570878)

Kariminejad - Najmabadi Pathology & Genetics Center
Classification: Uncertain significance for Charcot-Marie-Tooth disease axonal type 2T. Last evaluated: 2023-11-09. Review status: criteria provided, single submitter. Criteria: ACMG Guidelines, 2015. Collection method: clinical testing. Allele origin: germline. Inheritance: Autosomal recessive inheritance. Affected: yes.
Comment: PM2_m,PP3_sup,PM3

NM_007289.4(MME):c.2242C>T (p.Arg748Trp)

Gene: MME (membrane metalloendopeptidase; plus strand). Cytogenetic location: 3q25.2.
Variant type: single nucleotide variant.
Coding change: c.2242C>T on transcript NM_007289.4 (MANE Select); coding-DNA position 2242, C replaced by T.
Protein change: p.Arg748Trp; replaces arginine 748 with tryptophan.
Molecular consequence: missense variant.
Genome position (GRCh38, 1-based): chr3:155,180,448, C>T. VCF-style: chr3-155180448-C-T. GRCh37 (hg19) VCF-style: chr3-154898237-C-T.
Other names: c.2242C>T, p.Arg748Trp (NM_000902.5, NM_001354642.2, NM_001354643.1 and 2 more transcripts); short protein forms R748W.
Identifiers: ClinVar variation 1810613 (VCV001810613.3), dbSNP rs141665432, ClinGen allele CA2675796.